The following is an entry in ClinVar:

NM_203447.4(DOCK8):c.2109+55C>T

Gene: DOCK8 (dedicator of cytokinesis 8; plus strand). Cytogenetic location: 9p24.3.
Variant type: single nucleotide variant.
Coding change: c.2109+55C>T on transcript NM_203447.4 (MANE Select); 55 bases into the intron after coding-DNA position 2109, C replaced by T.
Molecular consequence: intron variant.
Genome position (GRCh38, 1-based): chr9:372,341, C>T. VCF-style: chr9-372341-C-T. GRCh37 (hg19) VCF-style: chr9-372341-C-T.
Other names: p.?; c.1905+55C>T (NM_001193536.2, NM_001190458.2).
Identifiers: ClinVar variation 675140 (VCV000675140.3), dbSNP rs4436173, ClinGen allele CA187809829.
Genomic context (GRCh38, chr9:372,341, plus strand): 5'-GCTGAGGTAATTGGCAAGCTGGCCATCAGCTGTTTCTTGTCCAGCTGTAGTCTTGGACCA[C>T]CTTCCCAGACTCACTTTCCATTCCCATGTGGCCATGGATGTTCATCATGTTCTCAGAGAG-3'

ClinVar aggregate classification (germline): Benign. Review status: criteria provided, multiple submitters, no conflicts (2 of 4 stars). 3 submissions from 3 submitters: Benign (3). Last evaluated 2022-09-06.

Allele frequency attached by ClinVar (database versions not stated): gnomAD 0.11950 and 0.12676; 1000 Genomes Project 30x 0.12867; TOPMed 0.13078; 1000 Genomes Project 0.12360.
gnomAD v4.1: 71,238 of 1,364,808 alleles (5.2%); highest among the groups gnomAD compares: African/African-American, 34%; 5,086 homozygotes.

Submissions (3):

Mayo Clinic Laboratories, Mayo Clinic
Classification: Benign. Last evaluated: 2022-09-06. Review status: criteria provided, single submitter. Criteria: ACMG Guidelines, 2015. Collection method: clinical testing. Allele origin: germline. Observed: 73 variant alleles.

GeneDx
Classification: Benign. Last evaluated: 2018-06-16. Review status: criteria provided, single submitter. Criteria: GeneDx Variant Classification (06012015). Collection method: clinical testing. Allele origin: germline. Affected: yes.
Comment: This variant is considered likely benign or benign based on one or more of the following criteria: it is a conservative change, it occurs at a poorly conserved position in the protein, it is predicted to be benign by multiple in silico algorithms, and/or has population frequency not consistent with disease.

Breakthrough Genomics
Classification: Benign. Review status: criteria provided, single submitter. Criteria: ACMG Guidelines, 2015. Collection method: not provided. Allele origin: germline. Inheritance: Autosomal recessive inheritance. Affected: yes.